The following is an entry in ClinVar:

ClinVar aggregate classification (germline): Uncertain significance. Review status: criteria provided, multiple submitters, no conflicts (2 of 4 stars). 2 submissions from 2 submitters: Uncertain significance (2). Last evaluated 2024-10-11.

Allele frequency attached by ClinVar (database versions not stated): gnomAD exomes below 0.00001; gnomAD 0.00001; TOPMed 0.00002.
gnomAD v4.1: 4 of 1,567,368 alleles (0.00026%); highest among the groups gnomAD compares: Non-Finnish European, 0.00035%; no homozygotes.

Submissions (2):

GeneDx
Classification: Uncertain significance. Last evaluated: 2024-10-11. Review status: criteria provided, single submitter. Criteria: GeneDx Variant Classification Process June 2021. Collection method: clinical testing. Allele origin: germline. Affected: yes.
Comment: Observed in a patient with dystonia and in a patient with developmental delay, microcephaly, abnormal eye movements, and ataxic gait; however, a second CACNA1B was not identified in either case (PMID: 31737037, 35294868); In silico analysis supports that this missense variant has a deleterious effect on protein structure/function; This variant is associated with the following publications: (PMID: 35294868, 31737037)

Labcorp Genetics (formerly Invitae), Labcorp
Classification: Uncertain significance. Last evaluated: 2022-08-05. Review status: criteria provided, single submitter. Criteria: Invitae Variant Classification Sherloc (09022015). Collection method: clinical testing. Allele origin: germline.
Comment: This sequence change replaces threonine, which is neutral and polar, with methionine, which is neutral and non-polar, at codon 1794 of the CACNA1B protein (p.Thr1794Met). The frequency data for this variant in the population databases is considered unreliable, as metrics indicate poor data quality at this position in the gnomAD database. This variant has not been reported in the literature in individuals affected with CACNA1B-related conditions. Advanced modeling of protein sequence and biophysical properties (such as structural, functional, and spatial information, amino acid conservation, physicochemical variation, residue mobility, and thermodynamic stability) performed at Invitae indicates that this missense variant is not expected to disrupt CACNA1B protein function. In summary, the available evidence is currently insufficient to determine the role of this variant in disease. Therefore, it has been classified as a Variant of Uncertain Significance.

NM_000718.4(CACNA1B):c.5381C>T (p.Thr1794Met)

Gene: CACNA1B (calcium voltage-gated channel subunit alpha1 B; plus strand). Cytogenetic location: 9q34.3.
Variant type: single nucleotide variant.
Coding change: c.5381C>T on transcript NM_000718.4 (MANE Select); coding-DNA position 5381, C replaced by T.
Protein change: p.Thr1794Met; replaces threonine 1794 with methionine.
Molecular consequence: missense variant.
Genome position (GRCh38, 1-based): chr9:138,105,760, C>T. VCF-style: chr9-138105760-C-T. GRCh37 (hg19) VCF-style: chr9-141000212-C-T.
Other names: c.5381C>T, p.Thr1794Met (NM_001243812.2); c.5381C>T (NM_000718.3); short protein forms T1794M.
Identifiers: ClinVar variation 2200700 (VCV002200700.2), dbSNP rs1354484800, ClinGen allele CA375814108.